The following is an entry in ClinVar:

NM_003579.4(RAD54L):c.246C>G (p.Phe82Leu)

Gene: RAD54L (RAD54 like; plus strand). Cytogenetic location: 1p34.1.
Variant type: single nucleotide variant.
Coding change: c.246C>G on transcript NM_003579.4 (MANE Select); coding-DNA position 246, C replaced by G.
Protein change: p.Phe82Leu; replaces phenylalanine 82 with leucine.
Molecular consequence: missense variant. On other transcripts: 5 prime UTR variant (1).
Genome position (GRCh38, 1-based): chr1:46,258,721, C>G. VCF-style: chr1-46258721-C-G. GRCh37 (hg19) VCF-style: chr1-46724393-C-G.
Other names: c.246C>G, p.Phe82Leu (NM_001142548.2); c.-295C>G (NM_001370766.1); short protein forms F82L.
Identifiers: ClinVar variation 2447783 (VCV002447783.2), dbSNP rs1176799900, ClinGen allele CA340180745.

ClinVar aggregate classification (germline): Uncertain significance (1 of 4 stars; one submission).

gnomAD v4.1: 1 of 1,607,324 alleles (0.000062%); no homozygotes.

Submission:

Ambry Genetics
Classification: Uncertain significance. Last evaluated: 2022-11-10. Review status: criteria provided, single submitter. Criteria: Ambry Variant Classification Scheme 2023. Collection method: clinical testing. Allele origin: germline.
Comment: The p.F82L variant (also known as c.246C>G), located in coding exon 4 of the RAD54L gene, results from a C to G substitution at nucleotide position 246. The phenylalanine at codon 82 is replaced by leucine, an amino acid with highly similar properties. This amino acid position is conserved. In addition, the in silico prediction for this alteration is inconclusive. Since supporting evidence is limited at this time, the clinical significance of this alteration remains unclear.